The following is an entry in ClinVar:

ClinVar aggregate classification (germline): Uncertain significance. Review status: criteria provided, multiple submitters, no conflicts (2 of 4 stars). 2 submissions from 2 submitters: Uncertain significance (2). Last evaluated 2026-09-10.

Conditions:
MYH7B-related disorder. Also called: MYH7B-related condition.

gnomAD v4.1: 60 of 1,612,826 alleles (0.0037%); highest among the groups gnomAD compares: Non-Finnish European, 0.0048%; no homozygotes.

Submissions (2):

PreventionGenetics, part of Exact Sciences
Classification: Uncertain significance for MYH7B-related condition. Last evaluated: 2026-09-10. Review status: criteria provided, single submitter. Criteria: ACMG Guidelines, 2015. Collection method: clinical testing. Allele origin: germline.
Comment: The MYH7B c.1134+1G>A variant is predicted to disrupt the GT donor site and interfere with normal splicing. To our knowledge, this variant has not been reported in the literature. This variant is reported in 0.0053% of alleles in individuals of European (Non-Finnish) descent in gnomAD. At this time, the clinical significance of this variant is uncertain due to the absence of conclusive functional and genetic evidence.

Labcorp Genetics (formerly Invitae), Labcorp
Classification: Uncertain significance. Last evaluated: 2023-07-07. Review status: criteria provided, single submitter. Criteria: Invitae Variant Classification Sherloc (09022015). Collection method: clinical testing. Allele origin: germline.
Comment: This sequence change affects a donor splice site in intron 15 of the MYH7B gene. It is expected to disrupt RNA splicing. Variants that disrupt the donor or acceptor splice site typically lead to a loss of protein function (PMID: 16199547), however the current clinical and genetic evidence is not sufficient to establish whether loss-of-function variants in MYH7B cause disease. This variant is present in population databases (rs200920118, gnomAD 0.005%). This variant has not been reported in the literature in individuals affected with MYH7B-related conditions. Algorithms developed to predict the effect of sequence changes on RNA splicing suggest that this variant may disrupt the consensus splice site. In summary, the available evidence is currently insufficient to determine the role of this variant in disease. Therefore, it has been classified as a Variant of Uncertain Significance.

Literature cited by the submitters: PubMed 16199547 (cited by Labcorp Genetics (formerly Invitae), Labcorp).

NM_020884.7(MYH7B):c.1008+1G>A

Gene: MYH7B (myosin heavy chain 7B; plus strand). Cytogenetic location: 20q11.22.
Variant type: single nucleotide variant.
Coding change: c.1008+1G>A on transcript NM_020884.7 (MANE Select); the canonical splice donor site of the intron after coding-DNA position 1008, G replaced by A.
Molecular consequence: splice donor variant.
Genome position (GRCh38, 1-based): chr20:34,986,990, G>A. VCF-style: chr20-34986990-G-A. GRCh37 (hg19) VCF-style: chr20-33574793-G-A.
Other names: c.1134+1G>A (NM_020884.4).
Identifiers: ClinVar variation 2972316 (VCV002972316.4), dbSNP rs200920118, ClinGen allele CA9826748.